The following is an entry in ClinVar:

NM_001365276.2(TNXB):c.12356G>A (p.Arg4119His)

Genes: TNXB (tenascin XB; minus strand), LOC106780803 (tenascin XB recombination region; plus strand). Cytogenetic location: 6p21.33.
Variant type: single nucleotide variant.
Coding change: c.12356G>A on transcript NM_001365276.2 (MANE Select); coding-DNA position 12356, G replaced by A.
Protein change: p.Arg4119His; replaces arginine 4119 with histidine.
Molecular consequence: missense variant.
Genome position (GRCh38, 1-based): chr6:32,042,125, C>T on the plus strand (G>A on the coding strand, the complement: TNXB is on the minus strand). VCF-style: chr6-32042125-C-T. GRCh37 (hg19) VCF-style: chr6-32009902-C-T.
Other names: p.Arg4117His; c.12350G>A, p.Arg4117His (NM_019105.8); c.1643G>A, p.Arg548His (NM_032470.4); short protein forms R4117H, R4119H, R548H.
Identifiers: ClinVar variation 3037178 (VCV003037178.3), dbSNP rs6941704, ClinGen allele CA136895846.

ClinVar aggregate classification (germline): Uncertain significance. Review status: criteria provided, single submitter (1 of 4 stars). 2 submissions from 2 submitters: Uncertain significance (1). 1 of the submissions does not count toward it. Last evaluated 2025-09-25.

Conditions:
TNXB-related disorder. Also called: TNXB-related condition.

Submissions (2):

Mayo Clinic Laboratories, Mayo Clinic
Classification: Uncertain significance. Last evaluated: 2025-09-25. Review status: criteria provided, single submitter. Criteria: ACMG Guidelines, 2015. Collection method: clinical testing. Allele origin: germline. Observed: 1 variant allele.
Comment: BS1, PP3

PreventionGenetics, part of Exact Sciences
Classification: Uncertain significance for TNXB-related condition. Last evaluated: 2024-07-31. Review status: no assertion criteria provided. Collection method: clinical testing. Allele origin: germline. Not counted in ClinVar's aggregate classification.
Comment: The TNXB c.12350G>A variant is predicted to result in the amino acid substitution p.Arg4117His. To our knowledge, this variant has not been reported in the literature. This variant is reported in 0.51% of alleles in individuals of African descent in gnomAD, but with a low quality warning (allele frequency estimates may not be reliable). This variant falls within a highly paralogous region. Allele frequency data should be interpreted with caution. Although we suspect that this variant may be benign, at this time, the clinical significance of this variant is uncertain due to the absence of conclusive functional and genetic evidence.